The following is an entry in ClinVar:

NM_004130.4(GYG1):c.481+3276C>G

Gene: GYG1 (glycogenin 1; plus strand). Cytogenetic location: 3q24.
Variant type: single nucleotide variant.
Coding change: c.481+3276C>G on transcript NM_004130.4 (MANE Select); 3276 bases into the intron after coding-DNA position 481, C replaced by G.
Molecular consequence: intron variant.
Genome position (GRCh38, 1-based): chr3:149,000,180, C>G. VCF-style: chr3-149000180-C-G. GRCh37 (hg19) VCF-style: chr3-148717967-C-G.
Other names: c.481+3276C>G (NM_001184720.2, NM_001184721.2).
Identifiers: ClinVar variation 4783632 (VCV004783632.1).

ClinVar aggregate classification (germline): Uncertain significance (1 of 4 stars; one submission).

Conditions:
Glycogen storage disease XV (GSD15). Also called: GLYCOGENIN DEFICIENCY; GSD XV. Identifiers: Orphanet 263297, MedGen C3150754, MONDO:0013291, OMIM 613507.
Polyglucosan body myopathy type 2. Identifiers: Orphanet 456369, MedGen C4015452, MONDO:0014526, OMIM 616199.

Submission:

Labcorp Genetics (formerly Invitae), Labcorp
Classification: Uncertain significance for Polyglucosan body myopathy type 2; Glycogen storage disease XV. Last evaluated: 2025-07-01. Review status: criteria provided, single submitter. Criteria: Invitae Variant Classification Sherloc (09022015). Collection method: clinical testing. Allele origin: germline.
Comment: This sequence change falls in intron 4 of the GYG1 gene. It does not directly change the encoded amino acid sequence of the GYG1 protein. This variant is not present in population databases (gnomAD no frequency). This variant has been observed in individual(s) with polyglucosan body myopathy (PMID: 27066558). In at least one individual the data is consistent with being in trans (on the opposite chromosome) from a pathogenic variant. This variant is also known as g.148717967C>G. Studies have shown that this variant is associated with inconclusive levels of altered splicing (PMID: 27066558). In summary, the available evidence is currently insufficient to determine the role of this variant in disease. Therefore, it has been classified as a Variant of Uncertain Significance.

Literature cited by the submitters: PubMed 27066558.